The following is an entry in ClinVar:

NM_002582.4(PARN):c.1067A>G (p.Asn356Ser)

Gene: PARN (poly(A)-specific ribonuclease; minus strand). Cytogenetic location: 16p13.12.
Variant type: single nucleotide variant.
Coding change: c.1067A>G on transcript NM_002582.4 (MANE Select); coding-DNA position 1067, A replaced by G.
Protein change: p.Asn356Ser; replaces asparagine 356 with serine.
Molecular consequence: missense variant.
Genome position (GRCh38, 1-based): chr16:14,584,361, T>C on the plus strand (A>G on the coding strand, the complement: PARN is on the minus strand). VCF-style: chr16-14584361-T-C. GRCh37 (hg19) VCF-style: chr16-14678218-T-C.
Other names: c.884A>G, p.Asn295Ser (NM_001134477.3); c.929A>G, p.Asn310Ser (NM_001242992.2); short protein forms N295S, N310S, N356S.
Identifiers: ClinVar variation 981524 (VCV000981524.11), dbSNP rs757655633, ClinGen allele CA278510978.

ClinVar aggregate classification (germline): Conflicting classifications of pathogenicity. Review status: criteria provided, conflicting classifications (1 of 4 stars). 3 submissions from 3 submitters: Uncertain significance (2); Likely benign (1). Last evaluated 2026-01-26.

Conditions:
Dyskeratosis congenita, autosomal recessive 6 (DKCB6). Identifiers: MedGen C4225356, MONDO:0014600, OMIM 616353.
Pulmonary fibrosis and/or bone marrow failure, Telomere-related, 4. Also called: PULMONARY FIBROSIS AND/OR BONE MARROW FAILURE SYNDROME, TELOMERE-RELATED, 4. Identifiers: Orphanet 2032, MedGen C4225347, MONDO:0014612, OMIM 616371.
Inborn genetic diseases. Identifiers: MedGen C0950123, MeSH D030342.

Allele frequency attached by ClinVar (database versions not stated): gnomAD exomes 0.00002; gnomAD 0.00001; TOPMed below 0.00001.
gnomAD v4.1: 39 of 1,611,074 alleles (0.0024%); highest among the groups gnomAD compares: Non-Finnish European, 0.0031%; no homozygotes.

Submissions (3):

Labcorp Genetics (formerly Invitae), Labcorp
Classification: Uncertain significance for Dyskeratosis congenita, autosomal recessive 6; Pulmonary fibrosis and/or bone marrow failure, Telomere-related, 4. Last evaluated: 2026-01-26. Review status: criteria provided, single submitter. Criteria: Invitae Variant Classification Sherloc (09022015). Collection method: clinical testing. Allele origin: germline.
Comment: This sequence change replaces asparagine, which is neutral and polar, with serine, which is neutral and polar, at codon 356 of the PARN protein (p.Asn356Ser). This variant is present in population databases (rs757655633, gnomAD 0.004%). This variant has not been reported in the literature in individuals affected with PARN-related conditions. ClinVar contains an entry for this variant (Variation ID: 981524). Invitae Evidence Modeling of protein sequence and biophysical properties (such as structural, functional, and spatial information, amino acid conservation, physicochemical variation, residue mobility, and thermodynamic stability) indicates that this missense variant is not expected to disrupt PARN protein function with a negative predictive value of 80%. In summary, the available evidence is currently insufficient to determine the role of this variant in disease. Therefore, it has been classified as a Variant of Uncertain Significance.

Ambry Genetics
Classification: Likely benign for Inborn genetic diseases. Last evaluated: 2023-06-05. Review status: criteria provided, single submitter. Criteria: Ambry Variant Classification Scheme 2023. Collection method: clinical testing. Allele origin: germline.

Johns Hopkins Genomics, Johns Hopkins University
Classification: Uncertain significance for Pulmonary fibrosis and/or bone marrow failure, Telomere-related, 4. Last evaluated: 2020-09-22. Review status: criteria provided, single submitter. Criteria: ACMG Guidelines, 2015. Collection method: clinical testing. Allele origin: germline.
Comment: This PARN variant (rs757655633) is rare (<0.1%) in a large population dataset (gnomAD: 5/280438 total alleles; 0.0012%; no homozygotes) and has not been reported in ClinVar nor the literature, to our knowledge. Two bioinformatic tools queried predict that this substitution would be tolerated, and the asparagine residue at this position is poorly evolutionarily conserved across the species assessed. Due to insufficient evidence, we consider the clinical significance of c.1067A>G to be uncertain at this time.